The following is an entry in ClinVar:

NC_000008.11:g.(?_31111605)_(31132516_?)del

Gene: WRN (WRN RecQ like helicase; plus strand). Cytogenetic location: 8p12.
Variant type: Deletion.
Identifiers: ClinVar variation 832270 (VCV000832270.5).

ClinVar aggregate classification (germline): Likely pathogenic (1 of 4 stars; one submission).

Conditions:
Werner syndrome (WRN). Identifiers: Orphanet 902, MedGen C0043119, MONDO:0010196, OMIM 277700.

Submission:

Labcorp Genetics (formerly Invitae), Labcorp
Classification: Likely pathogenic for Werner syndrome. Last evaluated: 2019-04-19. Review status: criteria provided, single submitter. Criteria: Invitae Variant Classification Sherloc (09022015). Collection method: clinical testing. Allele origin: germline.
Comment: This variant disrupts part of the ATPase motifs and RecQ helicase conserved region of the WRN protein, which are required for WRN protein function (PMID: 23045531). While functional studies have not been performed to directly test the effect of this variant on WRN protein function, this suggests that disruption of this region of the protein is causative of disease. This variant has not been reported in the literature in individuals with WRN-related conditions. This variant is an in-frame deletion of the genomic region encompassing exons 19-24 of the WRN gene. It preserves the integrity of the reading frame. In summary, the currently available evidence indicates that the variant is pathogenic, but additional data are needed to prove that conclusively. Therefore, this variant has been classified as Likely Pathogenic.

Literature cited by the submitters: PubMed 23045531.